The following is an entry in ClinVar:

ClinVar aggregate classification (germline): Conflicting classifications of pathogenicity. Review status: criteria provided, conflicting classifications (1 of 4 stars). 3 submissions from 3 submitters: Uncertain significance (2); Likely benign (1). Last evaluated 2026-03-26.

Conditions:
Cardiovascular phenotype. Identifiers: MedGen CN230736.

Allele frequency attached by ClinVar (database versions not stated): gnomAD exomes 0.00002; TOPMed 0.00002; ExAC 0.00003; gnomAD 0.00003; 1000 Genomes Project 30x 0.00031; 1000 Genomes Project 0.00040.
gnomAD v4.1: 32 of 1,592,688 alleles (0.002%); highest among the groups gnomAD compares: Middle Eastern, 0.033%; no homozygotes.

Submissions (3):

Ambry Genetics
Classification: Likely benign for Cardiovascular phenotype. Last evaluated: 2026-03-26. Review status: criteria provided, single submitter. Criteria: Ambry Variant Classification Scheme 2023. Collection method: clinical testing. Allele origin: germline.

Blueprint Genetics
Classification: Uncertain significance. Last evaluated: 2024-06-20. Review status: criteria provided, single submitter. Criteria: ACMG Guidelines, 2015. Collection method: clinical testing. Allele origin: germline.

GeneDx
Classification: Uncertain significance. Last evaluated: 2023-02-28. Review status: criteria provided, single submitter. Criteria: GeneDx Variant Classification Process June 2021. Collection method: clinical testing. Allele origin: germline. Affected: yes.
Comment: Not observed at significant frequency in large population cohorts (gnomAD); In silico analysis supports that this missense variant does not alter protein structure/function; Has not been previously published as pathogenic or benign to our knowledge

NM_001010874.5(TECRL):c.842C>A (p.Ala281Asp)

Gene: TECRL (trans-2,3-enoyl-CoA reductase like; minus strand). Cytogenetic location: 4q13.1.
Variant type: single nucleotide variant.
Coding change: c.842C>A on transcript NM_001010874.5 (MANE Select); coding-DNA position 842, C replaced by A.
Protein change: p.Ala281Asp; replaces alanine 281 with aspartic acid.
Molecular consequence: missense variant.
Genome position (GRCh38, 1-based): chr4:64,281,550, G>T on the plus strand (C>A on the coding strand, the complement: TECRL is on the minus strand). VCF-style: chr4-64281550-G-T. GRCh37 (hg19) VCF-style: chr4-65147268-G-T.
Other names: c.842C>A, p.Ala281Asp (NM_001363796.1); short protein forms A281D.
Identifiers: ClinVar variation 2578184 (VCV002578184.5), dbSNP rs199931486, ClinGen allele CA2935325.